The following is an entry in ClinVar:

NM_003924.4(PHOX2B):c.26T>C (p.Leu9Pro)

Genes: PHOX2B-AS1 (PHOX2B antisense RNA 1; plus strand), PHOX2B (paired like homeobox 2B; minus strand). Cytogenetic location: 4p13.
Variant type: single nucleotide variant.
Coding change: c.26T>C on transcript NM_003924.4 (MANE Select); coding-DNA position 26, T replaced by C.
Protein change: p.Leu9Pro; replaces leucine 9 with proline.
Molecular consequence: missense variant.
Genome position (GRCh38, 1-based): chr4:41,748,585, A>G on the plus strand (T>C on the coding strand, the complement: PHOX2B is on the minus strand). VCF-style: chr4-41748585-A-G. GRCh37 (hg19) VCF-style: chr4-41750602-A-G.
Other names: short protein forms L9P.
Identifiers: ClinVar variation 1794913 (VCV001794913.2), dbSNP rs2153113080, ClinGen allele CA356741361.
Genomic context (GRCh38, chr4:41,748,585, plus strand): 5'-GCTGAAGCCAGGCTCGAGGTGTCCATCCCAGCCATACAGGACTCGTAGGCAGAGGAATTG[A>G]GGTAAGAATATTCCATTTTATACATTGAAAAGGTTCTGGATGGCTCAGCCAAGTGGAAAA-3'
Protein context (NP_003915.2, residues 1-19): MYKMEYSY[Leu9Pro]NSSAYESCMA

ClinVar aggregate classification (germline): Uncertain significance (1 of 4 stars; one submission).

Conditions:
Hereditary cancer-predisposing syndrome. Also called: Tumor predisposition; Hereditary Cancer Syndrome; Neoplastic Syndromes, Hereditary; Hereditary neoplastic syndrome. Identifiers: Orphanet 140162, MedGen C0027672, MeSH D009386, MONDO:0015356.

Submission:

Ambry Genetics
Classification: Uncertain significance for Hereditary cancer-predisposing syndrome. Last evaluated: 2021-04-28. Review status: criteria provided, single submitter. Criteria: Ambry Variant Classification Scheme 2023. Collection method: clinical testing. Allele origin: germline.
Comment: The p.L9P variant (also known as c.26T>C), located in coding exon 1 of the PHOX2B gene, results from a T to C substitution at nucleotide position 26. The leucine at codon 9 is replaced by proline, an amino acid with similar properties. This amino acid position is highly conserved in available vertebrate species. In addition, this alteration is predicted to be deleterious by in silico analysis. Since supporting evidence is limited at this time, the clinical significance of this alteration remains unclear.